The following is an entry in ClinVar:

ClinVar aggregate classification (germline): Conflicting classifications of pathogenicity. Review status: criteria provided, conflicting classifications (1 of 4 stars). 4 submissions from 4 submitters: Uncertain significance (1); Likely benign (2). 1 of the submissions does not count toward it. Last evaluated 2025-11-18.

Conditions:
Congenital myasthenic syndrome 4A. Also called: CONGENITAL MYASTHENIC SYNDROME TYPE Ia1; Myasthenic syndrome, congenital, 4a, slow-channel; MYASTHENIC SYNDROME, CONGENITAL, 4A, SLOW-CHANNEL, AUTOSOMAL RECESSIVE. Identifiers: Orphanet 590, MedGen C4225413, MONDO:0011600, OMIM 605809.
Congenital myasthenic syndrome (CMS). Also called: Congenital Myasthenic Syndromes. Identifiers: Orphanet 590, MedGen C0751882, MeSH D020294, MONDO:0018940.

Allele frequency attached by ClinVar (database versions not stated): TOPMed 0.00002; gnomAD 0.00003; gnomAD exomes 0.00006; ExAC 0.00007.
gnomAD v4.1: 99 of 1,613,920 alleles (0.0061%); highest among the groups gnomAD compares: Middle Eastern, 0.049%; no homozygotes.

Submissions (4):

Labcorp Genetics (formerly Invitae), Labcorp
Classification: Likely benign for Congenital myasthenic syndrome 4A. Last evaluated: 2025-11-18. Review status: criteria provided, single submitter. Criteria: Invitae Variant Classification Sherloc (09022015). Collection method: clinical testing. Allele origin: germline.

CeGaT Center for Human Genetics Tuebingen
Classification: Likely benign. Last evaluated: 2023-12-01. Review status: criteria provided, single submitter. Criteria: CeGaT Center For Human Genetics Tuebingen Variant Classification Criteria Version 2. Collection method: clinical testing. Allele origin: germline. Affected: yes. Observed: 1 variant allele.
Comment: CHRNE: BP4

Illumina Laboratory Services, Illumina
Classification: Uncertain significance for Congenital myasthenic syndrome. Last evaluated: 2018-01-13. Review status: criteria provided, single submitter. Criteria: ICSL Variant Classification Criteria 13 December 2019. Collection method: clinical testing. Allele origin: germline.

Natera, Inc.
Classification: Likely benign for Congenital myasthenic syndrome. Last evaluated: 2020-09-16. Review status: no assertion criteria provided. Collection method: clinical testing. Allele origin: germline. Not counted in ClinVar's aggregate classification.

NM_000080.4(CHRNE):c.802+7A>C

Genes: C17orf107 (chromosome 17 open reading frame 107; plus strand), CHRNE (cholinergic receptor nicotinic epsilon subunit; minus strand). Cytogenetic location: 17p13.2.
Variant type: single nucleotide variant.
Coding change: c.802+7A>C on transcript NM_000080.4 (MANE Select); 7 bases into the intron after coding-DNA position 802, A replaced by C.
Molecular consequence: intron variant. On other transcripts: 3 prime UTR variant (1).
Genome position (GRCh38, 1-based): chr17:4,900,983, T>G on the plus strand (A>C on the coding strand, the complement: CHRNE is on the minus strand). VCF-style: chr17-4900983-T-G. GRCh37 (hg19) VCF-style: chr17-4804278-T-G.
Other names: c.*450T>G (NM_001145536.2).
Identifiers: ClinVar variation 323989 (VCV000323989.38), dbSNP rs756213406, ClinGen allele CA8314256.